The following is an entry in ClinVar:

NM_000245.4(MET):c.3991T>C (p.Ser1331Pro)

Gene: MET (MET proto-oncogene, receptor tyrosine kinase; plus strand). Cytogenetic location: 7q31.2.
Variant type: single nucleotide variant.
Coding change: c.3991T>C on transcript NM_000245.4 (MANE Select); coding-DNA position 3991, T replaced by C.
Protein change: p.Ser1331Pro; replaces serine 1331 with proline.
Molecular consequence: missense variant.
Genome position (GRCh38, 1-based): chr7:116,795,942, T>C. VCF-style: chr7-116795942-T-C. GRCh37 (hg19) VCF-style: chr7-116435996-T-C.
Other names: c.4045T>C, p.Ser1349Pro (NM_001127500.3); c.2701T>C, p.Ser901Pro (NM_001324402.2); short protein forms S1331P, S1349P, S901P.
Identifiers: ClinVar variation 1411991 (VCV001411991.6), dbSNP rs1562941559, ClinGen allele CA369118170.
Genomic context (GRCh38, chr7:116,795,942, plus strand): 5'-AACAGATATGAAGTAATGCTAAAATGCTGGCACCCTAAAGCCGAAATGCGCCCATCCTTT[T>C]CTGAACTGGTGTCCCGGATATCAGCGATCTTCTCTACTTTCATTGGGGAGCACTATGTCC-3'
Protein context (NP_000236.2, residues 1321-1341): HPKAEMRPSF[Ser1331Pro]ELVSRISAIF

ClinVar aggregate classification (germline): Uncertain significance (1 of 4 stars; one submission).

Conditions:
Renal cell carcinoma. Identifiers: Orphanet 217071, MedGen C0007134, MeSH D002292, MONDO:0005086, HP:0005584.

Submission:

Labcorp Genetics (formerly Invitae), Labcorp
Classification: Uncertain significance for Renal cell carcinoma. Last evaluated: 2021-08-18. Review status: criteria provided, single submitter. Criteria: Invitae Variant Classification Sherloc (09022015). Collection method: clinical testing. Allele origin: germline.
Comment: This sequence change replaces serine with proline at codon 1349 of the MET protein (p.Ser1349Pro). The serine residue is highly conserved and there is a moderate physicochemical difference between serine and proline. This variant is not present in population databases (ExAC no frequency). This variant has not been reported in the literature in individuals affected with MET-related conditions. Algorithms developed to predict the effect of missense changes on protein structure and function are either unavailable or do not agree on the potential impact of this missense change (SIFT: "Deleterious"; PolyPhen-2: "Possibly Damaging"; Align-GVGD: "Class C0"). In summary, the available evidence is currently insufficient to determine the role of this variant in disease. Therefore, it has been classified as a Variant of Uncertain Significance.